The following is an entry in ClinVar:

NM_001330260.2(SCN8A):c.4004T>G (p.Leu1335Arg)

Gene: SCN8A (sodium voltage-gated channel alpha subunit 8; plus strand). Cytogenetic location: 12q13.13.
Variant type: single nucleotide variant.
Coding change: c.4004T>G on transcript NM_001330260.2 (MANE Select); coding-DNA position 4004, T replaced by G.
Protein change: p.Leu1335Arg; replaces leucine 1335 with arginine.
Molecular consequence: missense variant.
Genome position (GRCh38, 1-based): chr12:51,786,603, T>G. VCF-style: chr12-51786603-T-G. GRCh37 (hg19) VCF-style: chr12-52180387-T-G.
Other names: c.3881T>G, p.Leu1294Arg (NM_001177984.3, NM_001369788.1); c.4004T>G, p.Leu1335Arg (NM_014191.4); c.4004T>G (NM_014191.3, NM_001330260.1); short protein forms L1294R, L1335R.
Identifiers: ClinVar variation 3635201 (VCV003635201.4).

ClinVar aggregate classification (germline): Uncertain significance. Review status: criteria provided, multiple submitters, no conflicts (2 of 4 stars). 2 submissions from 2 submitters: Uncertain significance (2). Last evaluated 2026-03-11.

Conditions:
Early-infantile DEE. Also called: Early infantile epileptic encephalopathy; Ohtahara syndrome; Early infantile epileptic encephalopathy with suppression bursts. Identifiers: Orphanet 1934, MedGen C0393706, MONDO:0800491.

Submissions (2):

GeneDx
Classification: Uncertain significance. Last evaluated: 2026-03-11. Review status: criteria provided, single submitter. Criteria: GeneDx Variant Classification Process June 2021. Collection method: clinical testing. Allele origin: germline.
Comment: Not observed at significant frequency in large population cohorts (gnomAD); In silico analysis supports that this missense variant has a deleterious effect on protein structure/function; Has not been previously published as pathogenic or benign to our knowledge; This substitution is predicted to be within the transmembrane segment S5 of the third homologous domain

Labcorp Genetics (formerly Invitae), Labcorp
Classification: Uncertain significance for Early-infantile DEE. Last evaluated: 2025-01-25. Review status: criteria provided, single submitter. Criteria: Invitae Variant Classification Sherloc (09022015). Collection method: clinical testing. Allele origin: germline.
Comment: This sequence change replaces leucine, which is neutral and non-polar, with arginine, which is basic and polar, at codon 1335 of the SCN8A protein (p.Leu1335Arg). This variant is not present in population databases (gnomAD no frequency). This variant has not been reported in the literature in individuals affected with SCN8A-related conditions. Invitae Evidence Modeling of protein sequence and biophysical properties (such as structural, functional, and spatial information, amino acid conservation, physicochemical variation, residue mobility, and thermodynamic stability) indicates that this missense variant is expected to disrupt SCN8A protein function with a positive predictive value of 95%. In summary, the available evidence is currently insufficient to determine the role of this variant in disease. Therefore, it has been classified as a Variant of Uncertain Significance.